The following is an entry in ClinVar:

ClinVar aggregate classification (germline): Pathogenic (1 of 4 stars; one submission).

Conditions:
Cardiovascular phenotype. Identifiers: MedGen CN230736.

Submission:

Ambry Genetics
Classification: Pathogenic for Cardiovascular phenotype. Last evaluated: 2024-09-19. Review status: criteria provided, single submitter. Criteria: Ambry Variant Classification Scheme 2023. Collection method: clinical testing. Allele origin: germline.
Comment: The c.4755_4756delAG (p.G1586Ifs*3) alteration, located in exon 38 (coding exon 38) of the ANK2 gene, consists of a deletion of 2 nucleotides from position 4755 to 4756, causing a translational frameshift with a predicted alternate stop codon after 3 amino acids. This alteration is expected to result in loss of function by premature protein truncation or nonsense-mediated mRNA decay. This allele was reported in one heterozygous individual in population-based cohorts in the Genome Aggregation Database (gnomAD). Based on the available evidence, this alteration is classified as pathogenic.

NM_001148.6(ANK2):c.4755_4756del (p.Gly1586fs)

Gene: ANK2 (ankyrin 2; plus strand). Cytogenetic location: 4q26.
Variant type: Microsatellite.
Coding change: c.4755_4756del on transcript NM_001148.6 (MANE Select); coding-DNA positions 4755 to 4756, 2 bases deleted (AG; older notation c.4755_4756delAG).
Protein change: p.Gly1586fs; shifts the reading frame from glycine 1586.
Molecular consequence: frameshift variant. On other transcripts: intron variant (68).
Genome position (GRCh38, 1-based): chr4:113,353,373-113,353,374, AG deleted; deleting any 2 consecutive bases within chr4:113,353,368-113,353,374 gives the same sequence; the c. name uses the placement nearest the transcript's 3' end. VCF-style (leftmost placement, unchanged base first): chr4-113353367-TGA-T. GRCh37 (hg19) VCF-style: chr4-114274523-TGA-T.
Other names: c.4751_4752AG[2], p.Gly1586Ilefs (NM_001148.4); c.4521_4522del, p.Gly1508fs (NM_001386142.1); c.1155_1156del, p.Gly386fs (NM_001386166.1); c.4896_4897del, p.Gly1633fs (NM_001386174.1); c.4872_4873del, p.Gly1625fs (NM_001386175.1); c.4411+3119GA[2] (NM_001386186.2, NM_001386148.2); c.4213+3119GA[2] (NM_001354269.3); c.4291+3119GA[2] (NM_001386187.2); and 37 more; short protein forms G1508fs, G1586fs, G386fs, G1625fs, G1633fs.
Identifiers: ClinVar variation 3540989 (VCV003540989.1).